The following is an entry in ClinVar:

ClinVar aggregate classification (germline): Pathogenic/Likely pathogenic. Review status: criteria provided, multiple submitters, no conflicts (2 of 4 stars). 9 submissions from 9 submitters: Pathogenic (4); Likely pathogenic (2). 3 of the submissions do not count toward it. Last evaluated 2026-03-27.

Conditions:
Retinitis pigmentosa 25 (RP25). Identifiers: Orphanet 791, MedGen C1864446, MONDO:0011272, OMIM 602772.
Macular dystrophy. Identifiers: MedGen C0730292, HP:0007754.
EYS-related disorder. Also called: EYS-related condition.
Retinal dystrophy. Also called: Inherited retinal dystrophy. Identifiers: Orphanet 71862, MedGen C0854723, MeSH D058499, MONDO:0019118, HP:0000556.

Submissions (9):

Myriad Genetics, Inc.
Classification: Likely pathogenic for Retinitis pigmentosa 25. Last evaluated: 2026-03-27. Review status: criteria provided, single submitter. Criteria: Myriad Autosomal Dominant, Autosomal Recessive and X-Linked Classification Criteria (2023). Collection method: clinical testing. Allele origin: unknown.
Comment: NM_001142800.1(EYS):c.1299+5_1299+8delGTAA is an intronic variant classified as likely pathogenic in the context of retinitis pigmentosa, EYS-related. c.1299+5_1299+8delGTAA has been observed in cases with relevant disease (PMID: 31074760, 32098976, 37644014, 37217489, 36764454). Relevant functional assessments of this variant are available in the literature (PMID: 31074760). c.1299+5_1299+8delGTAA has not been observed in referenced population frequency databases. In summary, NM_001142800.1(EYS):c.1299+5_1299+8delGTAA is an intronic variant that has been observed more frequently in cases with the relevant disease than in healthy populations. Please note: this variant was assessed in the context of healthy population screening.

Labcorp Genetics (formerly Invitae), Labcorp
Classification: Pathogenic. Last evaluated: 2025-08-29. Review status: criteria provided, single submitter. Criteria: Invitae Variant Classification Sherloc (09022015). Collection method: clinical testing. Allele origin: germline.
Comment: This sequence change falls in intron 8 of the EYS gene. It does not directly change the encoded amino acid sequence of the EYS protein. RNA analysis indicates that this variant induces altered splicing and may result in an absent or altered protein product. This variant is not present in population databases (gnomAD no frequency). This variant has been observed in individual(s) with macular dystrophy (PMID: 31074760). In at least one individual the data is consistent with being in trans (on the opposite chromosome) from a pathogenic variant. It has also been observed to segregate with disease in related individuals. ClinVar contains an entry for this variant (Variation ID: 560456). Variants that disrupt the consensus splice site are a relatively common cause of aberrant splicing (PMID: 17576681, 9536098). Studies have shown that this variant alters mRNA splicing and is expected to lead to the loss of protein expression (PMID: 31074760). For these reasons, this variant has been classified as Pathogenic.

Blueprint Genetics
Classification: Pathogenic for EYS-related disorders. Last evaluated: 2024-09-05. Review status: criteria provided, single submitter. Criteria: ACMG Guidelines, 2015. Collection method: clinical testing. Allele origin: germline. Affected: yes. Observed: 5 variant alleles.

Institute of Human Genetics, University of Leipzig Medical Center
Classification: Pathogenic for Retinitis pigmentosa 25. Last evaluated: 2024-03-13. Review status: criteria provided, single submitter. Criteria: ACMG Guidelines, 2015. Collection method: clinical testing. Allele origin: unknown. Inheritance: Autosomal recessive inheritance. Affected: yes.
Comment: Criteria applied: PVS1,PM3_STR,PM2_SUP

Institute of Human Genetics, Univ. Regensburg, Univ. Regensburg
Classification: Pathogenic for Retinal dystrophy. Last evaluated: 2023-01-01. Review status: criteria provided, single submitter. Criteria: ACMG Guidelines, 2015. Collection method: clinical testing. Allele origin: germline. Affected: yes.

Mendelics
Classification: Likely pathogenic for Retinitis pigmentosa 25. Last evaluated: 2019-05-28. Review status: criteria provided, single submitter. Criteria: Mendelics Assertion Criteria 2017. Collection method: clinical testing. Allele origin: unknown.

Joint Genome Diagnostic Labs from Nijmegen and Maastricht, Radboudumc and MUMC+
Classification: Likely pathogenic for Macular dystrophy. Last evaluated: 2023-06-22. Review status: no assertion criteria provided. Collection method: clinical testing. Allele origin: inherited. Inheritance: Autosomal recessive inheritance. Affected: yes. Observed: 1 variant allele. Not counted in ClinVar's aggregate classification.

Natera, Inc.
Classification: Likely pathogenic for Retinitis pigmentosa type 25. Last evaluated: 2020-08-25. Review status: no assertion criteria provided. Collection method: clinical testing. Allele origin: germline. Not counted in ClinVar's aggregate classification.

Centre for Mendelian Genomics, University Medical Centre Ljubljana
Classification: Uncertain significance for Retinitis pigmentosa 25. Last evaluated: 2019-09-16. Review status: flagged submission. Criteria: ACMG Guidelines, 2015. Collection method: clinical testing. Allele origin: unknown. Affected: yes. Not counted in ClinVar's aggregate classification.
Comment: This variant was classified as: Uncertain significance. The available evidence favors the pathogenic nature of this variant, however the currently available data is insufficient to conclusively support its pathogenic nature. Thus this variant is classified as Uncertain significance - favor pathogenic. The following ACMG criteria were applied in classifying this variant: PM2,PP3.
ClinVar note: Reason: Claim with insufficient supporting evidence

Literature cited by the submitters: PubMed 31074760 (cited by 3 submitters); PubMed 32098976 (cited by Myriad Genetics, Inc.); PubMed 36764454 (cited by Myriad Genetics, Inc.); PubMed 37217489 (cited by Myriad Genetics, Inc.); PubMed 37644014 (cited by Myriad Genetics, Inc.); PubMed 17576681 (cited by Labcorp Genetics (formerly Invitae), Labcorp); PubMed 9536098 (cited by Labcorp Genetics (formerly Invitae), Labcorp); PubMed 29159838 (cited by Institute of Human Genetics, Univ. Regensburg, Univ. Regensburg).

NM_001142800.2(EYS):c.1299+5_1299+8del

Gene: EYS (EGF-like photoreceptor maintenance factor; minus strand). Cytogenetic location: 6q12.
Variant type: Microsatellite.
Coding change: c.1299+5_1299+8del on transcript NM_001142800.2 (MANE Select); bases 5 to 8 of the intron after coding-DNA position 1299, 4 bases deleted (GTAA; older notation c.1299+5_1299+8delGTAA).
Molecular consequence: splice donor variant.
Genome position (GRCh38, 1-based): chr6:65,384,378-65,384,381, TTAC deleted on the plus strand (GTAA on the coding strand, the reverse complement: EYS is on the minus strand); deleting any 4 consecutive bases within chr6:65,384,378-65,384,387 gives the same sequence; the c. name uses the placement nearest the transcript's 3' end. VCF-style (leftmost placement, unchanged base first): chr6-65384377-ATTAC-A. GRCh37 (hg19) VCF-style: chr6-66094270-ATTAC-A.
Other names: c.1299+5_1299+8delGTAA (NM_001292009.1); c.1299+5_1299+8del (NM_001292009.2, NM_001142801.2, NM_198283.2).
Identifiers: ClinVar variation 560456 (VCV000560456.24), dbSNP rs1562140604, ClinGen allele CA658821738.